The following is an entry in ClinVar:

ClinVar aggregate classification (germline): Uncertain significance (1 of 4 stars; one submission).

Conditions:
Idiopathic generalized epilepsy. Also called: Generalised epilepsy; EIG. Identifiers: MedGen C0270850, MONDO:0005579, OMIM 600669.
Hyperaldosteronism, familial, type IV (HALD4). Also called: FH IV; ALDOSTERONISM, PRIMARY, AND HYPERTENSION. Identifiers: Orphanet 642671, MedGen C4310756, MONDO:0014875, OMIM 617027.

Submission:

Labcorp Genetics (formerly Invitae), Labcorp
Classification: Uncertain significance for Idiopathic generalized epilepsy; Hyperaldosteronism, familial, type IV. Last evaluated: 2023-12-02. Review status: criteria provided, single submitter. Criteria: Invitae Variant Classification Sherloc (09022015). Collection method: clinical testing. Allele origin: germline.
Comment: This sequence change replaces aspartic acid, which is acidic and polar, with glycine, which is neutral and non-polar, at codon 1910 of the CACNA1H protein (p.Asp1910Gly). Information on the frequency of this variant in the gnomAD database is not available, as this variant may be reported differently in the database. This variant has not been reported in the literature in individuals affected with CACNA1H-related conditions. ClinVar contains an entry for this variant (Variation ID: 578852). An algorithm developed to predict the effect of missense changes on protein structure and function (PolyPhen-2) suggests that this variant is likely to be tolerated. In summary, the available evidence is currently insufficient to determine the role of this variant in disease. Therefore, it has been classified as a Variant of Uncertain Significance.

NM_021098.3(CACNA1H):c.5729_5730inv (p.Asp1910Gly)

Gene: CACNA1H (calcium voltage-gated channel subunit alpha1 H; plus strand). Cytogenetic location: 16p13.3.
Variant type: Inversion.
Coding change: c.5729_5730inv on transcript NM_021098.3 (MANE Select).
Protein change: p.Asp1910Gly; replaces aspartic acid 1910 with glycine.
Molecular consequence: missense variant.
Genome position: GRCh38 VCF-style: chr16-1218493-AC-GT. GRCh37 (hg19) VCF-style: chr16-1268493-AC-GT.
Other names: c.5711_5712inv, p.Asp1904Gly (NM_001005407.2); short protein forms D1904G, D1910G.
Identifiers: ClinVar variation 578852 (VCV000578852.7), ClinGen allele CA891844262.
Genomic context (GRCh38, chr16:1,218,493, plus strand): 5'-GTGCACGCCGGGTGGACGCGGACAGGCCTCCCTTGCCCCAGGAGAGTCCGGGCGCCAGGG[AC>GT]GCCCCAAACCTGGTTGCACGCAAGGTGTCCGTGTCCAGGATGCTCTCGCTGCCCAACGAC-3'
Protein context (NP_066921.2, residues 1900-1920): PLPQESPGAR[Asp1910Gly]APNLVARKVS